The following is an entry in ClinVar:

ClinVar aggregate classification (germline): Likely pathogenic (1 of 4 stars; one submission).

Conditions:
Cardiovascular phenotype. Identifiers: MedGen CN230736.

Submission:

Molecular Diagnostic Laboratory for Inherited Cardiovascular Disease, Montreal Heart Institute
Classification: Likely pathogenic for Cardiovascular phenotype. Last evaluated: 2025-07-11. Review status: criteria provided, single submitter. Criteria: ACMG Guidelines, 2015. Collection method: clinical testing. Allele origin: germline. Affected: yes.
Comment: PVS1_strong, PM2

NM_000218.3(KCNQ1):c.1630_1635delinsGTGAG (p.Gln544fs)

Gene: KCNQ1 (potassium voltage-gated channel subfamily Q member 1; plus strand). Cytogenetic location: 11p15.5.
Variant type: Indel.
Coding change: c.1630_1635delinsGTGAG on transcript NM_000218.3 (MANE Select); coding-DNA positions 1630 to 1635, CAGTAC replaced by GTGAG.
Protein change: p.Gln544fs; shifts the reading frame from glutamine 544.
Molecular consequence: frameshift variant.
Genome position (GRCh38, 1-based): chr11:2,775,999-2,776,004, CAGTAC replaced by GTGAG. VCF-style: chr11-2775999-CAGTAC-GTGAG. GRCh37 (hg19) VCF-style: chr11-2797229-CAGTAC-GTGAG.
Other names: c.1630_1635delCAGTACinsGTGAG, p.Gln544Valfs (NM_000218.2); c.1534_1539delinsGTGAG, p.Gln512fs (NM_001406836.1); c.1360_1365delinsGTGAG, p.Gln454fs (NM_001406837.1); c.1090_1095delinsGTGAG, p.Gln364fs (NM_001406838.1); c.1249_1254delinsGTGAG, p.Gln417fs (NM_181798.2); short protein forms Q364fs, Q417fs, Q454fs, Q512fs, Q544fs.
Identifiers: ClinVar variation 4076475 (VCV004076475.1).